The following is an entry in ClinVar:

NM_002303.6(LEPR):c.173C>G (p.Ser58Ter)

Gene: LEPR (leptin receptor; plus strand). Cytogenetic location: 1p31.3.
Variant type: single nucleotide variant.
Coding change: c.173C>G on transcript NM_002303.6 (MANE Select); coding-DNA position 173, C replaced by G.
Protein change: p.Ser58Ter; replaces serine 58 with a stop codon.
Molecular consequence: nonsense.
Genome position (GRCh38, 1-based): chr1:65,570,605, C>G. VCF-style: chr1-65570605-C-G. GRCh37 (hg19) VCF-style: chr1-66036288-C-G.
Other names: c.173C>G, p.Ser58Ter (NM_001003679.3, NM_001003680.3, NM_001198687.2 and 2 more transcripts); short protein forms S58*.
Identifiers: ClinVar variation 4987457 (VCV004987457.1).

ClinVar aggregate classification (germline): Likely pathogenic (1 of 4 stars; one submission).

Conditions:
LEPR-related disorder. Also called: LEPR-related disorders; LEPR-related condition.

Submission:

PreventionGenetics, part of Exact Sciences
Classification: Likely pathogenic for LEPR-related condition. Last evaluated: 2026-08-27. Review status: criteria provided, single submitter. Criteria: ACMG Guidelines, 2015. Collection method: clinical testing. Allele origin: germline.
Comment: The LEPR c.173C>G variant is predicted to result in premature protein termination (p.Ser58*). This variant was reported in an individual with childhood obesity (Table S1, Šket et al. 2022. PubMed ID: 35574020). This variant has not been reported in a large population database (gnomAD), indicating this variant is rare. Nonsense variants in LEPR are expected to be pathogenic. This variant is interpreted as likely pathogenic.